The following is an entry in ClinVar:

NM_001267550.2(TTN):c.41980C>T (p.Pro13994Ser)

Gene: TTN (titin; minus strand). Cytogenetic location: 2q31.2.
Variant type: single nucleotide variant.
Coding change: c.41980C>T on transcript NM_001267550.2 (MANE Select); coding-DNA position 41980, C replaced by T.
Protein change: p.Pro13994Ser; replaces proline 13994 with serine.
Molecular consequence: missense variant.
Genome position (GRCh38, 1-based): chr2:178,635,209, G>A on the plus strand (C>T on the coding strand, the complement: TTN is on the minus strand). VCF-style: chr2-178635209-G-A. GRCh37 (hg19) VCF-style: chr2-179499936-G-A.
Other names: c.34276C>T, p.Pro11426Ser (NM_133378.4); c.15160C>T, p.Pro5054Ser (NM_133432.3); c.15361C>T, p.Pro5121Ser (NM_133437.4); c.37057C>T, p.Pro12353Ser (NM_001256850.1); c.14785C>T, p.Pro4929Ser (NM_003319.4); short protein forms P11426S, P12353S, P13994S, P4929S, P5054S, P5121S.
Identifiers: ClinVar variation 1698600 (VCV001698600.4), dbSNP rs201232835, ClinGen allele CA1996174.

ClinVar aggregate classification (germline): Uncertain significance. Review status: criteria provided, multiple submitters, no conflicts (2 of 4 stars). 2 submissions from 2 submitters: Uncertain significance (2). Last evaluated 2022-06-20.

Allele frequency attached by ClinVar (database versions not stated): TOPMed 0.00001; gnomAD 0.00002; ESP Exome Variant Server 0.00017.
gnomAD v4.1: 19 of 1,613,156 alleles (0.0012%); highest among the groups gnomAD compares: Admixed American, 0.0033%; no homozygotes.

Submissions (2):

Women's Health and Genetics/Laboratory Corporation of America, LabCorp
Classification: Uncertain significance. Last evaluated: 2022-06-20. Review status: criteria provided, single submitter. Criteria: LabCorp Variant Classification Summary - May 2015. Collection method: clinical testing. Allele origin: germline.
Comment: Variant summary: TTN c.34276C>T (p.Pro11426Ser) results in a non-conservative amino acid change located in the I-band of the encoded protein sequence. Three of five in-silico tools predict a damaging effect of the variant on protein function. The variant allele was found at a frequency of 3.6e-05 in 248472 control chromosomes. The available data on variant occurrences in the general population are insufficient to allow any conclusion about variant significance. To our knowledge, no occurrence of c.34276C>T in individuals affected with Limb-Girdle Muscular Dystrophy, Type 2J and no experimental evidence demonstrating its impact on protein function have been reported. No clinical diagnostic laboratories have submitted clinical-significance assessments for this variant to ClinVar after 2014. Based on the evidence outlined above, the variant was classified as uncertain significance.

Revvity Omics, Revvity
Classification: Uncertain significance. Last evaluated: 2020-11-08. Review status: criteria provided, single submitter. Criteria: ACMG Guidelines, 2015. Collection method: clinical testing. Allele origin: germline.